The following is an entry in ClinVar:

NM_020533.3(MCOLN1):c.98C>T (p.Pro33Leu)

Gene: MCOLN1 (mucolipin TRP cation channel 1; plus strand). Cytogenetic location: 19p13.2.
Variant type: single nucleotide variant.
Coding change: c.98C>T on transcript NM_020533.3 (MANE Select); coding-DNA position 98, C replaced by T.
Protein change: p.Pro33Leu; replaces proline 33 with leucine.
Molecular consequence: missense variant.
Genome position (GRCh38, 1-based): chr19:7,525,027, C>T. VCF-style: chr19-7525027-C-T. GRCh37 (hg19) VCF-style: chr19-7589913-C-T.
Other names: short protein forms P33L.
Identifiers: ClinVar variation 2412966 (VCV002412966.5), dbSNP rs369851101, ClinGen allele CA9138610.
Genomic context (GRCh38, chr19:7,525,027, plus strand): 5'-AGCGGCTTCTGACCCCCAACCCCGGGTATGGGACCCAGGCGGGGCCTTCACCGGCCCCTC[C>T]GACACCCCCAGAAGAGGAAGACCTTCGCCGTCGTCTCAAATACTTTTTCATGAGTCCCTG-3'
Protein context (NP_065394.1, residues 23-43): GTQAGPSPAP[Pro33Leu]TPPEEEDLRR

ClinVar aggregate classification (germline): Conflicting classifications of pathogenicity. Review status: criteria provided, conflicting classifications (1 of 4 stars). 2 submissions from 2 submitters: Uncertain significance (1); Likely benign (1). Last evaluated 2026-08-05.

Conditions:
Mucolipidosis type IV (ML4). Also called: ML IV. Identifiers: Orphanet 578, MedGen C0238286, MONDO:0009653, OMIM 252650.

Allele frequency attached by ClinVar (database versions not stated): TOPMed 0.00012; gnomAD exomes 0.00007; gnomAD 0.00005; ESP Exome Variant Server 0.00015; ExAC 0.00002.
gnomAD v4.1: 112 of 1,613,908 alleles (0.0069%); highest among the groups gnomAD compares: Middle Eastern, 0.016%; no homozygotes.

Submissions (2):

GeneDx
Classification: Uncertain significance. Last evaluated: 2026-08-05. Review status: criteria provided, single submitter. Criteria: GeneDx Variant Classification Process June 2021. Collection method: clinical testing. Allele origin: germline.
Comment: In silico analysis suggests that this missense variant does not alter protein structure/function; Has not been previously published as pathogenic or benign to our knowledge

Labcorp Genetics (formerly Invitae), Labcorp
Classification: Likely benign for Mucolipidosis type IV. Last evaluated: 2026-01-06. Review status: criteria provided, single submitter. Criteria: Invitae Variant Classification Sherloc (09022015). Collection method: clinical testing. Allele origin: germline.